The following is an entry in ClinVar:

NM_000059.4(BRCA2):c.6121T>A (p.Ser2041Thr)

Gene: BRCA2 (BRCA2 DNA repair associated; plus strand). Cytogenetic location: 13q13.1.
Variant type: single nucleotide variant.
Coding change: c.6121T>A on transcript NM_000059.4 (MANE Select); coding-DNA position 6121, T replaced by A.
Protein change: p.Ser2041Thr; replaces serine 2041 with threonine.
Molecular consequence: missense variant.
Genome position (GRCh38, 1-based): chr13:32,340,476, T>A. VCF-style: chr13-32340476-T-A. GRCh37 (hg19) VCF-style: chr13-32914613-T-A.
Other names: short protein forms S2041T.
Identifiers: ClinVar variation 479374 (VCV000479374.25), dbSNP rs1160083526, ClinGen allele CA387788163.

ClinVar aggregate classification (germline): Conflicting classifications of pathogenicity. Review status: criteria provided, conflicting classifications (1 of 4 stars). 8 submissions from 8 submitters: Uncertain significance (5); Likely benign (2). 1 of the submissions does not count toward it. Last evaluated 2025-05-19.

Conditions:
Hereditary cancer-predisposing syndrome. Also called: Tumor predisposition; Neoplastic Syndromes, Hereditary; Hereditary Cancer Syndrome; Hereditary neoplastic syndrome. Identifiers: Orphanet 140162, MedGen C0027672, MeSH D009386, MONDO:0015356.
Breast-ovarian cancer, familial, susceptibility to, 2 (BROVCA2). Also called: BRCA2 Hereditary Breast and Ovarian Cancer. Identifiers: Orphanet 145, MedGen C2675520, MONDO:0012933, OMIM 612555. Disease mechanism: loss of function.
Familial cancer of breast. Also called: BREAST CANCER, FAMILIAL; Hereditary breast cancer; hereditary breast carcinoma. Identifiers: Orphanet 227535, MedGen C0346153, MONDO:0016419, OMIM 114480. Disease mechanism: loss of function.
Hereditary breast ovarian cancer syndrome. Also called: Hereditary breast and ovarian cancer; Breast and ovarian cancer; Hereditary breast and/or ovarian cancer syndrome; Hereditary breast and ovarian cancer syndrome (HBOC); BRCA1- and BRCA2-Associated Hereditary Breast and Ovarian Cancer; Hereditary breast and ovarian cancer syndrome. Identifiers: Orphanet 145, MedGen C0677776, MeSH D061325, MONDO:0003582. Disease mechanism: loss of function.

Submissions (8):

Labcorp Genetics (formerly Invitae), Labcorp
Classification: Uncertain significance for Hereditary breast ovarian cancer syndrome. Last evaluated: 2025-05-19. Review status: criteria provided, single submitter. Criteria: Invitae Variant Classification Sherloc (09022015). Collection method: clinical testing. Allele origin: germline.
Comment: This sequence change replaces serine, which is neutral and polar, with threonine, which is neutral and polar, at codon 2041 of the BRCA2 protein (p.Ser2041Thr). This variant is not present in population databases (gnomAD no frequency). This missense change has been observed in individual(s) with breast and ovarian cancer (PMID: 35918668). ClinVar contains an entry for this variant (Variation ID: 479374). Invitae Evidence Modeling of protein sequence and biophysical properties (such as structural, functional, and spatial information, amino acid conservation, physicochemical variation, residue mobility, and thermodynamic stability) indicates that this missense variant is not expected to disrupt BRCA2 protein function with a negative predictive value of 95%. In summary, the available evidence is currently insufficient to determine the role of this variant in disease. Therefore, it has been classified as a Variant of Uncertain Significance.

Ambry Genetics
Classification: Likely benign for Hereditary cancer-predisposing syndrome. Last evaluated: 2024-12-27. Review status: criteria provided, single submitter. Criteria: Ambry Variant Classification Scheme 2023. Collection method: clinical testing. Allele origin: germline.

All of Us Research Program, National Institutes of Health
Classification: Uncertain significance for Breast-ovarian cancer, familial, susceptibility to, 2. Last evaluated: 2023-10-02. Review status: criteria provided, single submitter. Criteria: ACMG Guidelines, 2015. Collection method: clinical testing. Allele origin: germline. Inheritance: Autosomal dominant inheritance. Observed: 1 variant allele, 1 heterozygote.
Comment: This missense variant replaces serine with threonine at codon 2041 of the BRCA2 protein. Computational prediction suggests that this variant may not impact protein structure and function (internally defined REVEL score threshold <= 0.5, PMID: 27666373). To our knowledge, functional studies have not been reported for this variant. This variant has not been reported in individuals affected with BRCA2-related disorders in the literature. This variant has not been identified in the general population by the Genome Aggregation Database (gnomAD). The available evidence is insufficient to determine the role of this variant in disease conclusively. Therefore, this variant is classified as a Variant of Uncertain Significance.

This study involves interpretation of variants in research participants for the purpose of population health screening. Participant phenotype was not available at the time of variant classification. Additional details can be found in publication PMID: 35346344, PMCID: PMC8962531

Color Diagnostics, LLC DBA Color Health
Classification: Uncertain significance for Hereditary cancer-predisposing syndrome. Last evaluated: 2023-09-06. Review status: criteria provided, single submitter. Criteria: ACMG Guidelines, 2015. Collection method: clinical testing. Allele origin: germline.
Comment: This missense variant replaces serine with threonine at codon 2041 of the BRCA2 protein. Computational prediction suggests that this variant may not impact protein structure and function (internally defined REVEL score threshold <= 0.5, PMID: 27666373). To our knowledge, functional studies have not been reported for this variant. This variant has not been reported in individuals affected with BRCA2-related disorders in the literature. This variant has not been identified in the general population by the Genome Aggregation Database (gnomAD). The available evidence is insufficient to determine the role of this variant in disease conclusively. Therefore, this variant is classified as a Variant of Uncertain Significance.

University of Washington Department of Laboratory Medicine, University of Washington
Classification: Likely benign for Hereditary cancer-predisposing syndrome. Last evaluated: 2023-03-23. Review status: criteria provided, single submitter. Criteria: Dines et al. (Genet Med. 2020). Collection method: curation. Allele origin: germline.
Comment: Missense variant in a coldspot region where missense variants are very unlikely to be pathogenic (PMID:31911673).

BRCA2 exon 11 coldspot. Reclassification based on statistical prior probability.

Women's Health and Genetics/Laboratory Corporation of America, LabCorp
Classification: Uncertain significance. Last evaluated: 2022-12-12. Review status: criteria provided, single submitter. Criteria: LabCorp Variant Classification Summary - May 2015. Collection method: clinical testing. Allele origin: germline.
Comment: Variant summary: BRCA2 c.6121T>A (p.Ser2041Thr) results in a conservative amino acid change in the encoded protein sequence. Four of four in-silico tools predict a benign effect of the variant on protein function. The variant was absent in 250808 control chromosomes. The available data on variant occurrences in the general population are insufficient to allow any conclusion about variant significance. c.6121T>A has been reported in the literature in individuals affected with Benign Breast Disease (Suter_2004). This report does not provide unequivocal conclusions about association of the variant with Hereditary Breast And Ovarian Cancer Syndrome. To our knowledge, no experimental evidence demonstrating an impact on protein function has been reported. Three clinical diagnostic laboratories have submitted clinical-significance assessments for this variant to ClinVar after 2014 without evidence for independent evaluation. All laboratories classified the variant as uncertain significance. Based on the evidence outlined above, the variant was classified as uncertain significance.

Department of Pathology and Laboratory Medicine, Sinai Health System
Classification: Uncertain significance for Familial cancer of breast; Breast-ovarian cancer, familial, susceptibility to, 2. Last evaluated: 2021-10-19. Review status: criteria provided, single submitter. Criteria: ACMG Guidelines, 2015. Collection method: clinical testing. Allele origin: germline. Affected: yes.

Center for Precision Medicine, Meizhou People's Hospital
Classification: Uncertain significance for Familial cancer of breast. Review status: no assertion criteria provided. Collection method: curation. Allele origin: germline. Affected: yes. Not counted in ClinVar's aggregate classification.

Literature cited by the submitters: PubMed 35918668 (cited by Labcorp Genetics (formerly Invitae), Labcorp); PubMed 14973102 (cited by Women's Health and Genetics/Laboratory Corporation of America, LabCorp).